The following is an entry in ClinVar:

NM_001382430.1(AKT1):c.1217G>A (p.Arg406His)

Gene: AKT1 (AKT serine/threonine kinase 1; minus strand). Cytogenetic location: 14q32.33.
Variant type: single nucleotide variant.
Coding change: c.1217G>A on transcript NM_001382430.1 (MANE Select); coding-DNA position 1217, G replaced by A.
Protein change: p.Arg406His; replaces arginine 406 with histidine.
Molecular consequence: missense variant.
Genome position (GRCh38, 1-based): chr14:104,772,408, C>T on the plus strand (G>A on the coding strand, the complement: AKT1 is on the minus strand). VCF-style: chr14-104772408-C-T. GRCh37 (hg19) VCF-style: chr14-105238745-C-T.
Other names: c.1217G>A, p.Arg406His (NM_001014431.2, NM_001014432.2, NM_001382431.1 and 3 more transcripts); short protein forms R406H.
Identifiers: ClinVar variation 2178552 (VCV002178552.4), dbSNP rs143266084, ClinGen allele CA267348800.
Genomic context (GRCh38, chr14:104,772,408, plus strand): 5'-GCGGGGAGCAGCCGCACCTTCTTCTCGTACACGTGCTGCCACACGATACCGGCAAAGAAG[C>T]GATGCTGCATGATCTCCTTGGCGTCCTCGGAGCCCCCGCCAAGCCTGCAGGCAGGAAACA-3'
Protein context (NP_001369359.1, residues 396-416): SEDAKEIMQH[Arg406His]FFAGIVWQHV

ClinVar aggregate classification (germline): Uncertain significance (1 of 4 stars; one submission).

Conditions:
Cowden syndrome 6 (CWS6). Identifiers: Orphanet 201, MedGen C3554519, MONDO:0014048, OMIM 615109.

Allele frequency attached by ClinVar (database versions not stated): gnomAD exomes below 0.00001; gnomAD 0.00001; TOPMed 0.00001; ESP Exome Variant Server 0.00008.
gnomAD v4.1: 4 of 1,613,692 alleles (0.00025%); highest among the groups gnomAD compares: East Asian, 0.0022%; no homozygotes.

Submission:

Labcorp Genetics (formerly Invitae), Labcorp
Classification: Uncertain significance for Cowden syndrome 6. Last evaluated: 2022-03-27. Review status: criteria provided, single submitter. Criteria: Invitae Variant Classification Sherloc (09022015). Collection method: clinical testing. Allele origin: germline.
Comment: In summary, the available evidence is currently insufficient to determine the role of this variant in disease. Therefore, it has been classified as a Variant of Uncertain Significance. Algorithms developed to predict the effect of missense changes on protein structure and function (SIFT, PolyPhen-2, Align-GVGD) all suggest that this variant is likely to be tolerated. This variant has not been reported in the literature in individuals affected with AKT1-related conditions. This variant is present in population databases (rs143266084, gnomAD 0.01%). This sequence change replaces arginine, which is basic and polar, with histidine, which is basic and polar, at codon 406 of the AKT1 protein (p.Arg406His).